The following is an entry in ClinVar:

NM_031935.3(HMCN1):c.13462G>A (p.Val4488Met)

Gene: HMCN1 (hemicentin 1; plus strand). Cytogenetic location: 1q31.1.
Variant type: single nucleotide variant.
Coding change: c.13462G>A on transcript NM_031935.3 (MANE Select); coding-DNA position 13462, G replaced by A.
Protein change: p.Val4488Met; replaces valine 4488 with methionine.
Molecular consequence: missense variant.
Genome position (GRCh38, 1-based): chr1:186,136,817, G>A. VCF-style: chr1-186136817-G-A. GRCh37 (hg19) VCF-style: chr1-186105949-G-A.
Other names: short protein forms V4488M.
Identifiers: ClinVar variation 781930 (VCV000781930.11), dbSNP rs146552651, ClinGen allele CA1294670.

ClinVar aggregate classification (germline): Likely benign. Review status: criteria provided, single submitter (1 of 4 stars). 2 submissions from 2 submitters: Likely benign (1). 1 of the submissions does not count toward it. Last evaluated 2026-01-12.

Conditions:
HMCN1-related disorder. Also called: HMCN1-related condition.

Allele frequency attached by ClinVar (database versions not stated): 1000 Genomes Project 0.00060; ExAC 0.00063; 1000 Genomes Project 30x 0.00078; ESP Exome Variant Server 0.00085; gnomAD exomes 0.00094 and 0.00104; gnomAD 0.00109 and 0.00113; TOPMed 0.00125.
gnomAD v4.1: 1,563 of 1,613,964 alleles (0.097%); highest among the groups gnomAD compares: Admixed American, 0.34%; no homozygotes.

Submissions (2):

Labcorp Genetics (formerly Invitae), Labcorp
Classification: Likely benign. Last evaluated: 2026-01-12. Review status: criteria provided, single submitter. Criteria: Invitae Variant Classification Sherloc (09022015). Collection method: clinical testing. Allele origin: germline.

PreventionGenetics, part of Exact Sciences
Classification: Likely benign for HMCN1-related condition. Last evaluated: 2021-01-04. Review status: no assertion criteria provided. Collection method: clinical testing. Allele origin: germline. Not counted in ClinVar's aggregate classification.
Comment: This variant is classified as likely benign based on ACMG/AMP sequence variant interpretation guidelines (Richards et al. 2015 PMID: 25741868, with internal and published modifications).